The following is an entry in ClinVar:

ClinVar aggregate classification (germline): Benign/Likely benign. Review status: criteria provided, multiple submitters, no conflicts (2 of 4 stars). 6 submissions from 6 submitters: Benign (1); Likely benign (5). Last evaluated 2025-03-04.

Conditions:
Hereditary nonpolyposis colorectal neoplasms. Identifiers: MedGen C0009405, MeSH D003123.
Hereditary cancer-predisposing syndrome. Also called: Hereditary Cancer Syndrome; Hereditary neoplastic syndrome; Neoplastic Syndromes, Hereditary; Tumor predisposition. Identifiers: Orphanet 140162, MedGen C0027672, MeSH D009386, MONDO:0015356.
Lynch syndrome. Identifiers: Orphanet 144, MedGen C4552100, MONDO:0005835. Disease mechanism: loss of function.
Lynch syndrome 4 (LYNCH4). Also called: Colorectal cancer, hereditary nonpolyposis, type 4; Hereditary non-polyposis colorectal cancer, type 4. Identifiers: Orphanet 144, MedGen C1838333, MONDO:0013699, OMIM 614337. Disease mechanism: loss of function.

Allele frequency attached by ClinVar (database versions not stated): gnomAD exomes below 0.00001.
gnomAD v4.1: 1 of 1,543,160 alleles (0.000065%); highest among the groups gnomAD compares: Non-Finnish European, 0.00009%; no homozygotes.

Submissions (6):

Center for Genomic Medicine, Rigshospitalet, Copenhagen University Hospital
Classification: Likely benign. Last evaluated: 2025-03-04. Review status: criteria provided, single submitter. Criteria: ACMG Guidelines, 2015. Collection method: clinical testing. Allele origin: germline.

Myriad Genetics, Inc.
Classification: Benign for Lynch syndrome 4. Last evaluated: 2025-01-29. Review status: criteria provided, single submitter. Criteria: Myriad Autosomal Dominant, Autosomal Recessive and X-Linked Classification Criteria (2023). Collection method: clinical testing. Allele origin: unknown.
Comment: This variant is considered benign. This variant is a silent/synonymous amino acid change and it is not expected to impact splicing.

Labcorp Genetics (formerly Invitae), Labcorp
Classification: Likely benign for Hereditary nonpolyposis colorectal neoplasms. Last evaluated: 2024-09-10. Review status: criteria provided, single submitter. Criteria: Invitae Variant Classification Sherloc (09022015). Collection method: clinical testing. Allele origin: germline.

All of Us Research Program, National Institutes of Health
Classification: Likely benign for Lynch syndrome. Last evaluated: 2024-05-14. Review status: criteria provided, single submitter. Criteria: ACMG Guidelines, 2015. Collection method: clinical testing. Allele origin: germline. Inheritance: Autosomal dominant inheritance. Observed: 1 variant allele, 1 heterozygote.
Comment: This study involves interpretation of variants in research participants for the purpose of population health screening. Participant phenotype was not available at the time of variant classification. Additional details can be found in publication PMID: 35346344, PMCID: PMC8962531

Ambry Genetics
Classification: Likely benign for Hereditary cancer-predisposing syndrome. Last evaluated: 2020-10-14. Review status: criteria provided, single submitter. Criteria: Ambry Variant Classification Scheme 2023. Collection method: clinical testing. Allele origin: germline.

Color Diagnostics, LLC DBA Color Health
Classification: Likely benign for Hereditary cancer-predisposing syndrome. Last evaluated: 2018-09-24. Review status: criteria provided, single submitter. Criteria: ACMG Guidelines, 2015. Collection method: clinical testing. Allele origin: germline.

NM_000535.7(PMS2):c.909C>T (p.Cys303=)

Gene: PMS2 (PMS1 homolog 2, mismatch repair system component; minus strand). Cytogenetic location: 7p22.1.
Variant type: single nucleotide variant.
Coding change: c.909C>T on transcript NM_000535.7 (MANE Select); coding-DNA position 909, C replaced by T.
Protein change: p.Cys303=; no amino-acid change (cysteine 303 retained).
Molecular consequence: synonymous variant. On other transcripts: 5 prime UTR variant (2), non-coding transcript variant (1).
Genome position (GRCh38, 1-based): chr7:5,992,052, G>A on the plus strand (C>T on the coding strand, the complement: PMS2 is on the minus strand). VCF-style: chr7-5992052-G-A. GRCh37 (hg19) VCF-style: chr7-6031683-G-A.
Other names: c.504C>T, p.Cys168= (NM_001322003.2, NM_001322004.2, NM_001322005.2 and 2 more transcripts); c.909C>T, p.Cys303= (NM_001322006.2, NM_001322014.2); c.591C>T, p.Cys197= (NM_001322007.2, NM_001322008.2); c.-25C>T (NM_001322011.2, NM_001322012.2); c.336C>T, p.Cys112= (NM_001322013.2); c.600C>T, p.Cys200= (NM_001322015.2).
Identifiers: ClinVar variation 455749 (VCV000455749.20), dbSNP rs1199497563, ClinGen allele CA453645421.